The following is an entry in ClinVar:

NM_005548.3(KARS1):c.264G>C (p.Lys88Asn)

Gene: KARS1 (lysyl-tRNA synthetase 1; minus strand). Cytogenetic location: 16q23.1.
Variant type: single nucleotide variant.
Coding change: c.264G>C on transcript NM_005548.3 (MANE Select); coding-DNA position 264, G replaced by C.
Protein change: p.Lys88Asn; replaces lysine 88 with asparagine.
Molecular consequence: missense variant. On other transcripts: 5 prime UTR variant (1).
Genome position (GRCh38, 1-based): chr16:75,640,308, C>G on the plus strand (G>C on the coding strand, the complement: KARS1 is on the minus strand). VCF-style: chr16-75640308-C-G. GRCh37 (hg19) VCF-style: chr16-75674206-C-G.
Other names: p.Lys116Asn; c.348G>C, p.Lys116Asn (NM_001130089.2); c.-205G>C (NM_001378148.1); short protein forms K116N, K88N.
Identifiers: ClinVar variation 3380401 (VCV003380401.1).
Genomic context (GRCh38, chr16:75,640,308, plus strand): 5'-GAAGTCAGTGAGTGAGATGTCTACATGGAACTTGTGTGGGTATGGGTCTTCCCCATTGAC[C>G]TTCAGCTGATGAATTGCTTGACTGCGGATTTTGTAGTATTGCTGTTAAAAAAAAAAAAAA-3'
Protein context (NP_005539.1, residues 78-98): KIRSQAIHQL[Lys88Asn]VNGEDPYPHK

ClinVar aggregate classification (germline): Uncertain significance (1 of 4 stars; one submission).

Submission:

Mayo Clinic Laboratories, Mayo Clinic
Classification: Uncertain significance. Last evaluated: 2024-07-16. Review status: criteria provided, single submitter. Criteria: ACMG Guidelines, 2015. Collection method: clinical testing. Allele origin: germline. Observed: 1 variant allele.
Comment: PM2